The following is an entry in ClinVar:

ClinVar aggregate classification (germline): Uncertain significance (1 of 4 stars; one submission).

Conditions:
Bethlem myopathy 1A. Also called: MYOPATHY, BENIGN CONGENITAL, WITH CONTRACTURES; Bethlem Muscular Dystrophy; Bethlem myopathy 1. Identifiers: Orphanet 610, MedGen CN029274, MONDO:0024530, OMIM 158810.

Allele frequency attached by ClinVar (database versions not stated): gnomAD exomes below 0.00001; TOPMed 0.00001; gnomAD 0.00002.
gnomAD v4.1: 9 of 1,612,738 alleles (0.00056%); highest among the groups gnomAD compares: Admixed American, 0.0017%; no homozygotes.

Submission:

Labcorp Genetics (formerly Invitae), Labcorp
Classification: Uncertain significance for Bethlem myopathy 1A. Last evaluated: 2022-08-09. Review status: criteria provided, single submitter. Criteria: Invitae Variant Classification Sherloc (09022015). Collection method: clinical testing. Allele origin: germline.
Comment: This sequence change replaces serine, which is neutral and polar, with leucine, which is neutral and non-polar, at codon 54 of the COL6A2 protein (p.Ser54Leu). In summary, the available evidence is currently insufficient to determine the role of this variant in disease. Therefore, it has been classified as a Variant of Uncertain Significance. Advanced modeling of protein sequence and biophysical properties (such as structural, functional, and spatial information, amino acid conservation, physicochemical variation, residue mobility, and thermodynamic stability) performed at Invitae indicates that this missense variant is expected to disrupt COL6A2 protein function. ClinVar contains an entry for this variant (Variation ID: 1429561). This variant has not been reported in the literature in individuals affected with COL6A2-related conditions. This variant is not present in population databases (gnomAD no frequency).

NM_001849.4(COL6A2):c.161C>T (p.Ser54Leu)

Gene: COL6A2 (collagen type VI alpha 2 chain; plus strand). Cytogenetic location: 21q22.3.
Variant type: single nucleotide variant.
Coding change: c.161C>T on transcript NM_001849.4 (MANE Select); coding-DNA position 161, C replaced by T.
Protein change: p.Ser54Leu; replaces serine 54 with leucine.
Molecular consequence: missense variant.
Genome position (GRCh38, 1-based): chr21:46,112,024, C>T. VCF-style: chr21-46112024-C-T. GRCh37 (hg19) VCF-style: chr21-47531938-C-T.
Other names: c.161C>T, p.Ser54Leu (NM_058174.3, NM_058175.3); short protein forms S54L.
Identifiers: ClinVar variation 1429561 (VCV001429561.6), dbSNP rs1252515693, ClinGen allele CA410520080.